The following is an entry in ClinVar:

ClinVar aggregate classification (germline): Pathogenic (1 of 4 stars; one submission).

Conditions:
3-methylcrotonyl-CoA carboxylase 2 deficiency. Also called: 3 alpha methylcrotonyl-CoA carboxylase 2 deficiency; 3 alpha methylcrotonylglycinuria 2; MCC 2 deficiency; Methylcrotonylglycinuria type 2; METHYLCROTONYLGLYCINURIA, TYPE II. Identifiers: Orphanet 6, MedGen C1859499, MONDO:0008862, OMIM 210210.

Submission:

Labcorp Genetics (formerly Invitae), Labcorp
Classification: Pathogenic for 3-methylcrotonyl-CoA carboxylase 2 deficiency. Last evaluated: 2019-12-13. Review status: criteria provided, single submitter. Criteria: Invitae Variant Classification Sherloc (09022015). Collection method: clinical testing. Allele origin: germline.
Comment: For these reasons, this variant has been classified as Pathogenic. Loss-of-function variants in MCCC2 are known to be pathogenic (PMID: 11181649, 22642865). This variant has not been reported in the literature in individuals with MCCC2-related conditions. A gross deletion of the genomic region encompassing the full coding sequence of the MCCC2 gene has been identified. The boundaries of this event are unknown as the deletion extends beyond the assayed region for this gene and therefore may encompass additional genes.

Literature cited by the submitters: PubMed 11181649; PubMed 22642865.

NC_000005.10:g.(?_71587406)_(71656880_?)del

Gene: MCCC2 (methylcrotonyl-CoA carboxylase subunit 2; plus strand). Cytogenetic location: 5q13.2.
Variant type: Deletion.
Identifiers: ClinVar variation 832868 (VCV000832868.5).